The following is an entry in ClinVar:

NM_007294.4(BRCA1):c.3421C>G (p.His1141Asp)

Genes: BRCA1 (BRCA1 DNA repair associated; minus strand), LOC126862571 (BRD4-independent group 4 enhancer GRCh37_chr17:41243136-41244335; plus strand). Cytogenetic location: 17q21.31.
Variant type: single nucleotide variant.
Coding change: c.3421C>G on transcript NM_007294.4 (MANE Select); coding-DNA position 3421, C replaced by G.
Protein change: p.His1141Asp; replaces histidine 1141 with aspartic acid.
Molecular consequence: missense variant. On other transcripts: intron variant (135).
Genome position (GRCh38, 1-based): chr17:43,092,110, G>C on the plus strand (C>G on the coding strand, the complement: BRCA1 is on the minus strand). VCF-style: chr17-43092110-G-C. GRCh37 (hg19) VCF-style: chr17-41244127-G-C.
Other names: c.644-1078C>G (NM_001408463.1, NM_001408462.1, NM_001408464.1 and 3 more transcripts); c.524-1078C>G (NM_001408499.1, NM_001408498.1, NM_001408501.1 and 3 more transcripts); c.671-1078C>G (NM_001408422.1, NM_001408418.1, NM_001408423.1 and 2 more transcripts); c.707-1078C>G (NM_001408416.1, NM_001408413.1); c.578-1078C>G (NM_001408484.1, NM_001408478.1, NM_001408514.1 and 9 more transcripts); c.662-1078C>G (NM_001408450.1, NM_001408434.1, NM_001408447.1 and 6 more transcripts); c.785-1078C>G (NM_001408398.1, NM_001407992.1, NM_001408400.1 and 13 more transcripts); c.665-1078C>G (NM_001408440.1, NM_001408428.1, NM_001408441.1 and 12 more transcripts); and 41 more; short protein forms H1013D, H1014D, H1029D, H1030D, H1052D, H1053D, H1070D, H1071D.
Identifiers: ClinVar variation 3074857 (VCV003074857.2), dbSNP rs1555587727, ClinGen allele CA10595138.
Genomic context (GRCh38, chr17:43,092,110, plus strand): 5'-CCTTTATTTCACCATCATCTAACAGGTCATCAGGTGTCTCAGAACAAACCTGAGATGCAT[G>C]ACTACTTCCCATAGGCTGTTCTAAGTTATCTGAAATCAGATATGGAGAGAAATCTGTATT-3'
Protein context (NP_009225.1, residues 1131-1151): DNLEQPMGSS[His1141Asp]ASQVCSETPD

ClinVar aggregate classification (germline): Uncertain significance. Review status: criteria provided, multiple submitters, no conflicts (2 of 4 stars). 2 submissions from 2 submitters: Uncertain significance (2). Last evaluated 2025-07-15.

Conditions:
Hereditary cancer-predisposing syndrome. Also called: Tumor predisposition; Neoplastic Syndromes, Hereditary; Hereditary Cancer Syndrome; Hereditary neoplastic syndrome. Identifiers: Orphanet 140162, MedGen C0027672, MeSH D009386, MONDO:0015356.
Breast-ovarian cancer, familial, susceptibility to, 1 (BROVCA1). Also called: BRCA1 Hereditary Breast and Ovarian Cancer; OVARIAN CANCER, SUSCEPTIBILITY TO. Identifiers: Orphanet 145, MedGen C2676676, MONDO:0011450, OMIM 604370. Disease mechanism: loss of function.

Submissions (2):

Ambry Genetics
Classification: Uncertain significance for Hereditary cancer-predisposing syndrome. Last evaluated: 2025-07-15. Review status: criteria provided, single submitter. Criteria: Ambry Variant Classification Scheme 2023. Collection method: clinical testing. Allele origin: germline.
Comment: The p.H1141D variant (also known as c.3421C>G), located in coding exon 9 of the BRCA1 gene, results from a C to G substitution at nucleotide position 3421. The histidine at codon 1141 is replaced by aspartic acid, an amino acid with similar properties. This amino acid position is not well conserved in available vertebrate species. In addition, this alteration is predicted to be tolerated by in silico analysis. Based on the available evidence, the clinical significance of this variant remains unclear.

All of Us Research Program, National Institutes of Health
Classification: Uncertain significance for Breast-ovarian cancer, familial, susceptibility to, 1. Last evaluated: 2023-12-13. Review status: criteria provided, single submitter. Criteria: ACMG Guidelines, 2015. Collection method: clinical testing. Allele origin: germline. Inheritance: Autosomal dominant inheritance. Observed: 1 variant allele, 1 heterozygote.
Comment: This missense variant replaces histidine with aspartic acid at codon 1141 of the BRCA1 protein. Computational prediction suggests that this variant may not impact protein structure and function. A functional assay has reported that this variant does not impact BRCA1 function in a homology-directed DNA repair and cisplatin and olaparib sensitivity assays (PMID: 32546644). To our knowledge, this variant has not been reported in individuals affected with BRCA1-related disorders in the literature. This variant has not been identified in the general population by the Genome Aggregation Database (gnomAD). The available evidence is insufficient to determine the role of this variant in disease conclusively. Therefore, this variant is classified as a Variant of Uncertain Significance.

This study involves interpretation of variants in research participants for the purpose of population health screening. Participant phenotype was not available at the time of variant classification. Additional details can be found in publication PMID: 35346344, PMCID: PMC8962531

Literature cited by the submitters: PubMed 32546644 (cited by All of Us Research Program, National Institutes of Health).